The following is an entry in ClinVar:

ClinVar aggregate classification (germline): Uncertain significance (1 of 4 stars; one submission).

Conditions:
Primary ciliary dyskinesia. Also called: Ciliary dyskinesia. Identifiers: Orphanet 244, MedGen C0008780, MONDO:0016575, HP:0012265.

gnomAD v4.1: 2 of 1,466,612 alleles (0.00014%); highest among the groups gnomAD compares: Admixed American, 0.0027%; no homozygotes.

Submission:

Labcorp Genetics (formerly Invitae), Labcorp
Classification: Uncertain significance for Primary ciliary dyskinesia. Last evaluated: 2025-02-14. Review status: criteria provided, single submitter. Criteria: Invitae Variant Classification Sherloc (09022015). Collection method: clinical testing. Allele origin: germline.
Comment: This sequence change replaces glutamic acid, which is acidic and polar, with alanine, which is neutral and non-polar, at codon 1998 of the DNAH8 protein (p.Glu1998Ala). This variant is not present in population databases (gnomAD no frequency). This variant has not been reported in the literature in individuals affected with DNAH8-related conditions. Invitae Evidence Modeling of protein sequence and biophysical properties (such as structural, functional, and spatial information, amino acid conservation, physicochemical variation, residue mobility, and thermodynamic stability) indicates that this missense variant is not expected to disrupt DNAH8 protein function with a negative predictive value of 80%. In summary, the available evidence is currently insufficient to determine the role of this variant in disease. Therefore, it has been classified as a Variant of Uncertain Significance.

NM_001206927.2(DNAH8):c.5993A>C (p.Glu1998Ala)

Gene: DNAH8 (dynein axonemal heavy chain 8; plus strand). Cytogenetic location: 6p21.2.
Variant type: single nucleotide variant.
Coding change: c.5993A>C on transcript NM_001206927.2 (MANE Select); coding-DNA position 5993, A replaced by C.
Protein change: p.Glu1998Ala; replaces glutamic acid 1998 with alanine.
Molecular consequence: missense variant.
Genome position (GRCh38, 1-based): chr6:38,860,491, A>C. VCF-style: chr6-38860491-A-C. GRCh37 (hg19) VCF-style: chr6-38828267-A-C.
Other names: c.5342A>C, p.Glu1781Ala (NM_001371.4); short protein forms E1781A, E1998A.
Identifiers: ClinVar variation 3691803 (VCV003691803.2).